The following is an entry in ClinVar:

ClinVar aggregate classification (germline): Uncertain significance. Review status: criteria provided, multiple submitters, no conflicts (2 of 4 stars). 3 submissions from 3 submitters: Uncertain significance (2). 1 of the submissions does not count toward it. Last evaluated 2025-07-24.

Conditions:
LYN-related disorder. Also called: LYN-related condition.

Allele frequency attached by ClinVar (database versions not stated): TOPMed 0.00001; gnomAD exomes 0.00002.
gnomAD v4.1: 24 of 1,614,082 alleles (0.0015%); highest among the groups gnomAD compares: Middle Eastern, 0.25%; no homozygotes.

Submissions (3):

Labcorp Genetics (formerly Invitae), Labcorp
Classification: Uncertain significance. Last evaluated: 2025-07-24. Review status: criteria provided, single submitter. Criteria: Invitae Variant Classification Sherloc (09022015). Collection method: clinical testing. Allele origin: germline.
Comment: This sequence change replaces isoleucine, which is neutral and non-polar, with valine, which is neutral and non-polar, at codon 227 of the LYN protein (p.Ile227Val). This variant is not present in population databases (gnomAD no frequency). This variant has not been reported in the literature in individuals affected with LYN-related conditions. ClinVar contains an entry for this variant (Variation ID: 1466545). An algorithm developed to predict the effect of missense changes on protein structure and function (PolyPhen-2) suggests that this variant is likely to be tolerated. In summary, the available evidence is currently insufficient to determine the role of this variant in disease. Therefore, it has been classified as a Variant of Uncertain Significance.

Breakthrough Genomics
Classification: Uncertain significance. Review status: criteria provided, single submitter. Criteria: ACMG Guidelines, 2015. Collection method: not provided. Allele origin: germline. Inheritance: Autosomal recessive inheritance. Affected: yes.

PreventionGenetics, part of Exact Sciences
Classification: Uncertain significance for LYN-related condition. Last evaluated: 2023-12-04. Review status: no assertion criteria provided. Collection method: clinical testing. Allele origin: germline. Not counted in ClinVar's aggregate classification.
Comment: The LYN c.679A>G variant is predicted to result in the amino acid substitution p.Ile227Val. This variant has been reported in the heterozygous state in an individual with combined immunodeficiency; however, this individual also carried additional variants in immunodeficiency-associated genes (Beaussant-Cohen et al. 2019. PubMed ID: 31103457). This variant has not been reported in a large population database, indicating this variant is rare. At this time, the clinical significance of this variant is uncertain due to the absence of conclusive functional and genetic evidence.

NM_002350.4(LYN):c.679A>G (p.Ile227Val)

Gene: LYN (LYN proto-oncogene, Src family tyrosine kinase; plus strand). Cytogenetic location: 8q12.1.
Variant type: single nucleotide variant.
Coding change: c.679A>G on transcript NM_002350.4 (MANE Select); coding-DNA position 679, A replaced by G.
Protein change: p.Ile227Val; replaces isoleucine 227 with valine.
Molecular consequence: missense variant.
Genome position (GRCh38, 1-based): chr8:55,953,873, A>G. VCF-style: chr8-55953873-A-G. GRCh37 (hg19) VCF-style: chr8-56866432-A-G.
Other names: c.679A>G (NM_002350.3); c.616A>G, p.Ile206Val (NM_001111097.3); short protein forms I227V, I206V.
Identifiers: ClinVar variation 1466545 (VCV001466545.10), dbSNP rs867077413, ClinGen allele CA177245435.